The following is an entry in ClinVar:

ClinVar aggregate classification (germline): Benign/Likely benign. Review status: criteria provided, multiple submitters, no conflicts (2 of 4 stars). 5 submissions from 5 submitters: Benign (1); Likely benign (4). Last evaluated 2026-06-03.

Conditions:
Gastrointestinal stromal tumor. Also called: Gastrointestinal stromal tumor, somatic; Gastrointestinal stroma tumor. Identifiers: Orphanet 44890, MedGen C0238198, MeSH D046152, MONDO:0011719, OMIM 606764, HP:0100723.
Hereditary cancer-predisposing syndrome. Also called: Hereditary neoplastic syndrome; Neoplastic Syndromes, Hereditary; Hereditary Cancer Syndrome; Tumor predisposition. Identifiers: Orphanet 140162, MedGen C0027672, MeSH D009386, MONDO:0015356.
KIT-related disorder. Also called: KIT-related condition.

Allele frequency attached by ClinVar (database versions not stated): ExAC 0.00001; gnomAD exomes 0.00001 and 0.00002; TOPMed 0.00002; gnomAD 0.00003; ESP Exome Variant Server 0.00008.
gnomAD v4.1: 39 of 1,612,390 alleles (0.0024%); highest among the groups gnomAD compares: South Asian, 0.0055%; no homozygotes.

Submissions (5):

Myriad Genetics, Inc.
Classification: Benign for Gastrointestinal stromal tumor. Last evaluated: 2026-06-03. Review status: criteria provided, single submitter. Criteria: Myriad Autosomal Dominant, Autosomal Recessive and X-Linked Classification Criteria (2023). Collection method: clinical testing. Allele origin: unknown.
Comment: This variant is considered benign. This variant is a silent/synonymous amino acid change and it is not expected to impact splicing.

Labcorp Genetics (formerly Invitae), Labcorp
Classification: Likely benign for Gastrointestinal stromal tumor. Last evaluated: 2025-12-21. Review status: criteria provided, single submitter. Criteria: Invitae Variant Classification Sherloc (09022015). Collection method: clinical testing. Allele origin: germline.

PreventionGenetics, part of Exact Sciences
Classification: Likely benign for KIT-related condition. Last evaluated: 2025-06-30. Review status: criteria provided, single submitter. Criteria: ACMG Guidelines, 2015. Collection method: clinical testing. Allele origin: germline.
Comment: This variant is classified as likely benign based on ACMG/AMP sequence variant interpretation guidelines (Richards et al. 2015 PMID: 25741868, with internal and published modifications).

CeGaT Center for Human Genetics Tuebingen
Classification: Likely benign. Last evaluated: 2022-11-01. Review status: criteria provided, single submitter. Criteria: CeGaT Center For Human Genetics Tuebingen Variant Classification Criteria Version 2. Collection method: clinical testing. Allele origin: germline. Affected: yes. Observed: 1 variant allele.
Comment: KIT: BP4, BP7

Ambry Genetics
Classification: Likely benign for Hereditary cancer-predisposing syndrome. Last evaluated: 2022-02-26. Review status: criteria provided, single submitter. Criteria: Ambry Variant Classification Scheme 2023. Collection method: clinical testing. Allele origin: germline.

NM_000222.3(KIT):c.1194C>T (p.Asp398=)

Gene: KIT (KIT proto-oncogene, receptor tyrosine kinase; plus strand). Cytogenetic location: 4q12.
Variant type: single nucleotide variant.
Coding change: c.1194C>T on transcript NM_000222.3 (MANE Select); coding-DNA position 1194, C replaced by T.
Protein change: p.Asp398=; no amino-acid change (aspartic acid 398 retained).
Molecular consequence: synonymous variant.
Genome position (GRCh38, 1-based): chr4:54,709,502, C>T. VCF-style: chr4-54709502-C-T. GRCh37 (hg19) VCF-style: chr4-55575668-C-T.
Other names: c.1194C>T, p.Asp398= (NM_001093772.2, NM_001385285.1, NM_001385286.1); c.1197C>T, p.Asp399= (NM_001385284.1, NM_001385288.1, NM_001385290.1 and 1 more transcripts).
Identifiers: ClinVar variation 458855 (VCV000458855.39), dbSNP rs376940990, ClinGen allele CA2923406.
Genomic context (GRCh38, chr4:54,709,502, plus strand): 5'-TCTAACGAGATTAAAAGGCACCGAAGGAGGCACTTACACATTCCTAGTGTCCAATTCTGA[C>T]GTCAATGCTGCCATAGCATTTAATGTTTATGTGAATAGTAAGTAACATGAAGGGCTCCTT-3'
Protein context (NP_000213.1, residues 388-408): GTYTFLVSNS[Asp398=]VNAAIAFNVY